The following is an entry in ClinVar:

ClinVar aggregate classification (germline): Uncertain significance (1 of 4 stars; one submission).

Conditions:
Encephalopathy, acute, infection-induced (herpes-specific), susceptibility to, 6. Also called: Herpes simplex encephalitis, susceptibility to, 4. Identifiers: Orphanet 1930, MedGen C3553869, MONDO:0013921, OMIM 614850.

Submission:

Labcorp Genetics (formerly Invitae), Labcorp
Classification: Uncertain significance for Encephalopathy, acute, infection-induced (herpes-specific), susceptibility to, 6. Last evaluated: 2024-02-23. Review status: criteria provided, single submitter. Criteria: Invitae Variant Classification Sherloc (09022015). Collection method: clinical testing. Allele origin: germline.
Comment: This sequence change replaces asparagine, which is neutral and polar, with aspartic acid, which is acidic and polar, at codon 161 of the TICAM1 protein (p.Asn161Asp). This variant is not present in population databases (gnomAD no frequency). This variant has not been reported in the literature in individuals affected with TICAM1-related conditions. ClinVar contains an entry for this variant (Variation ID: 1352116). Algorithms developed to predict the effect of missense changes on protein structure and function output the following: SIFT: "Not Available"; PolyPhen-2: "Benign"; Align-GVGD: "Not Available". The aspartic acid amino acid residue is found in multiple mammalian species, which suggests that this missense change does not adversely affect protein function. In summary, the available evidence is currently insufficient to determine the role of this variant in disease. Therefore, it has been classified as a Variant of Uncertain Significance.

NM_182919.4(TICAM1):c.481A>G (p.Asn161Asp)

Gene: TICAM1 (TIR domain containing adaptor molecule 1; minus strand). Cytogenetic location: 19p13.3.
Variant type: single nucleotide variant.
Coding change: c.481A>G on transcript NM_182919.4 (MANE Select); coding-DNA position 481, A replaced by G.
Protein change: p.Asn161Asp; replaces asparagine 161 with aspartic acid.
Molecular consequence: missense variant. On other transcripts: intron variant (1).
Genome position (GRCh38, 1-based): chr19:4,817,897, T>C on the plus strand (A>G on the coding strand, the complement: TICAM1 is on the minus strand). VCF-style: chr19-4817897-T-C. GRCh37 (hg19) VCF-style: chr19-4817909-T-C.
Other names: c.439A>G, p.Asn147Asp (NM_001385678.1); c.346A>G, p.Asn116Asp (NM_001385679.1); c.-71-91A>G (NM_001385680.1); short protein forms N116D, N147D, N161D.
Identifiers: ClinVar variation 1352116 (VCV001352116.8), dbSNP rs769041568, ClinGen allele CA403492543.
Genomic context (GRCh38, chr19:4,817,897, plus strand): 5'-GGCGTGGGAGGCTCCTGGTCCCAGAGGGCAAAGCCGAGGATGGTGGGAGGCAGCCCAGAT[T>C]GGACTGGAGCGTCCGGATGCTCCCTGGATCCCCAGCAATGTCCCACCCACACCGGTTTCG-3'
Protein context (NP_891549.1, residues 151-171): DPGSIRTLQS[Asn161Asp]LGCLPPSSAL